The following is an entry in ClinVar:

ClinVar aggregate classification (germline): Likely benign. Review status: criteria provided, single submitter (1 of 4 stars). 2 submissions from 2 submitters: Likely benign (1). 1 of the submissions does not count toward it. Last evaluated 2022-11-26.

Conditions:
EPS8L2-related disorder. Also called: EPS8L2-related condition.

Allele frequency attached by ClinVar (database versions not stated): ExAC 0.00012; ESP Exome Variant Server 0.00023.
gnomAD v4.1: 68 of 1,589,046 alleles (0.0043%); highest among the groups gnomAD compares: African/African-American, 0.085%; no homozygotes.

Submissions (2):

Labcorp Genetics (formerly Invitae), Labcorp
Classification: Likely benign. Last evaluated: 2022-11-26. Review status: criteria provided, single submitter. Criteria: Invitae Variant Classification Sherloc (09022015). Collection method: clinical testing. Allele origin: germline.

PreventionGenetics, part of Exact Sciences
Classification: Likely benign for EPS8L2-related condition. Last evaluated: 2024-08-23. Review status: no assertion criteria provided. Collection method: clinical testing. Allele origin: germline. Not counted in ClinVar's aggregate classification.
Comment: This variant is classified as likely benign based on ACMG/AMP sequence variant interpretation guidelines (Richards et al. 2015 PMID: 25741868, with internal and published modifications).

NM_022772.4(EPS8L2):c.903C>T (p.Val301=)

Gene: EPS8L2 (EPS8 signaling adaptor L2; plus strand). Cytogenetic location: 11p15.5.
Variant type: single nucleotide variant.
Coding change: c.903C>T on transcript NM_022772.4 (MANE Select); coding-DNA position 903, C replaced by T.
Protein change: p.Val301=; no amino-acid change (valine 301 retained).
Molecular consequence: synonymous variant.
Genome position (GRCh38, 1-based): chr11:721,910, C>T. VCF-style: chr11-721910-C-T. GRCh37 (hg19) VCF-style: chr11-721910-C-T.
Other names: c.903C>T (NM_022772.3).
Identifiers: ClinVar variation 2722708 (VCV002722708.5), dbSNP rs146681576, ClinGen allele CA5787371.